The following is an entry in ClinVar:

NM_000465.4(BARD1):c.2119C>A (p.Pro707Thr)

Gene: BARD1 (BRCA1 associated RING domain 1; minus strand). Cytogenetic location: 2q35.
Variant type: single nucleotide variant.
Coding change: c.2119C>A on transcript NM_000465.4 (MANE Select); coding-DNA position 2119, C replaced by A.
Protein change: p.Pro707Thr; replaces proline 707 with threonine.
Molecular consequence: missense variant. On other transcripts: non-coding transcript variant (3).
Genome position (GRCh38, 1-based): chr2:214,728,891, G>T on the plus strand (C>A on the coding strand, the complement: BARD1 is on the minus strand). VCF-style: chr2-214728891-G-T. GRCh37 (hg19) VCF-style: chr2-215593615-G-T.
Other names: c.2062C>A, p.Pro688Thr (NM_001282543.2); c.766C>A, p.Pro256Thr (NM_001282545.2); c.709C>A, p.Pro237Thr (NM_001282548.2); c.580C>A, p.Pro194Thr (NM_001282549.2); c.2119C>A (NM_000465.2); short protein forms P194T, P237T, P707T, P256T, P688T.
Identifiers: ClinVar variation 961655 (VCV000961655.12), dbSNP rs1045454971, ClinGen allele CA350450574.

ClinVar aggregate classification (germline): Uncertain significance. Review status: criteria provided, multiple submitters, no conflicts (2 of 4 stars). 2 submissions from 2 submitters: Uncertain significance (2). Last evaluated 2026-09-01.

Conditions:
Familial cancer of breast. Also called: Hereditary breast cancer; BREAST CANCER, FAMILIAL; hereditary breast carcinoma. Identifiers: Orphanet 227535, MedGen C0346153, MONDO:0016419, OMIM 114480. Disease mechanism: loss of function.
Hereditary cancer-predisposing syndrome. Also called: Neoplastic Syndromes, Hereditary; Hereditary Cancer Syndrome; Tumor predisposition; Hereditary neoplastic syndrome. Identifiers: Orphanet 140162, MedGen C0027672, MeSH D009386, MONDO:0015356.

Submissions (2):

Ambry Genetics
Classification: Uncertain significance for Hereditary cancer-predisposing syndrome. Last evaluated: 2026-09-01. Review status: criteria provided, single submitter. Criteria: Ambry Variant Classification Scheme 2023. Collection method: clinical testing. Allele origin: germline.
Comment: The p.P707T variant (also known as c.2119C>A), located in coding exon 11 of the BARD1 gene, results from a C to A substitution at nucleotide position 2119. The proline at codon 707 is replaced by threonine, an amino acid with highly similar properties. This amino acid position is conserved. In addition, the in silico prediction for this alteration is inconclusive. Based on the available evidence, the clinical significance of this variant remains unclear.

Labcorp Genetics (formerly Invitae), Labcorp
Classification: Uncertain significance for Familial cancer of breast. Last evaluated: 2023-05-10. Review status: criteria provided, single submitter. Criteria: Invitae Variant Classification Sherloc (09022015). Collection method: clinical testing. Allele origin: germline.
Comment: This variant has not been reported in the literature in individuals affected with BARD1-related conditions. ClinVar contains an entry for this variant (Variation ID: 961655). An algorithm developed to predict the effect of missense changes on protein structure and function (PolyPhen-2) suggests that this variant is likely to be disruptive. In summary, the available evidence is currently insufficient to determine the role of this variant in disease. Therefore, it has been classified as a Variant of Uncertain Significance. This variant is not present in population databases (gnomAD no frequency). This sequence change replaces proline, which is neutral and non-polar, with threonine, which is neutral and polar, at codon 707 of the BARD1 protein (p.Pro707Thr).